The following is an entry in ClinVar:

NM_024867.4(SPEF2):c.2374A>G (p.Met792Val)

Gene: SPEF2 (sperm flagellar and cilia associated 2; plus strand). Cytogenetic location: 5p13.2.
Variant type: single nucleotide variant.
Coding change: c.2374A>G on transcript NM_024867.4 (MANE Select); coding-DNA position 2374, A replaced by G.
Protein change: p.Met792Val; replaces methionine 792 with valine.
Molecular consequence: missense variant.
Genome position (GRCh38, 1-based): chr5:35,700,728, A>G. VCF-style: chr5-35700728-A-G. GRCh37 (hg19) VCF-style: chr5-35700830-A-G.
Other names: short protein forms M792V.
Identifiers: ClinVar variation 2655399 (VCV002655399.24), dbSNP rs767145372, ClinGen allele CA3230751.

ClinVar aggregate classification (germline): Likely benign (1 of 4 stars; one submission).

Allele frequency attached by ClinVar (database versions not stated): ExAC 0.00001; gnomAD 0.00001; gnomAD exomes 0.00001; TOPMed 0.00001.
gnomAD v4.1: 17 of 1,613,786 alleles (0.0011%); highest among the groups gnomAD compares: Middle Eastern, 0.033%; no homozygotes.

Submission:

CeGaT Center for Human Genetics Tuebingen
Classification: Likely benign. Last evaluated: 2022-09-01. Review status: criteria provided, single submitter. Criteria: CeGaT Center For Human Genetics Tuebingen Variant Classification Criteria Version 2. Collection method: clinical testing. Allele origin: germline. Affected: yes. Observed: 1 variant allele.
Comment: SPEF2: BP4